The following is an entry in ClinVar:

ClinVar aggregate classification (germline): Uncertain significance (1 of 4 stars; one submission).

Conditions:
Cardiovascular phenotype. Identifiers: MedGen CN230736.

Allele frequency attached by ClinVar (database versions not stated): TOPMed below 0.00001.

Submission:

Ambry Genetics
Classification: Uncertain significance for Cardiovascular phenotype. Last evaluated: 2023-05-12. Review status: criteria provided, single submitter. Criteria: Ambry Variant Classification Scheme 2023. Collection method: clinical testing. Allele origin: germline.
Comment: The p.V25A variant (also known as c.74T>C), located in coding exon 2 of the SCN3B gene, results from a T to C substitution at nucleotide position 74. The valine at codon 25 is replaced by alanine, an amino acid with similar properties. This amino acid position is conserved. In addition, this alteration is predicted to be tolerated by in silico analysis. Since supporting evidence is limited at this time, the clinical significance of this alteration remains unclear.

NM_001040151.2(SCN3B):c.74T>C (p.Val25Ala)

Gene: SCN3B (sodium voltage-gated channel beta subunit 3; minus strand). Cytogenetic location: 11q24.1.
Variant type: single nucleotide variant.
Coding change: c.74T>C on transcript NM_001040151.2 (MANE Select); coding-DNA position 74, T replaced by C.
Protein change: p.Val25Ala; replaces valine 25 with alanine.
Molecular consequence: missense variant.
Genome position (GRCh38, 1-based): chr11:123,645,732, A>G on the plus strand (T>C on the coding strand, the complement: SCN3B is on the minus strand). VCF-style: chr11-123645732-A-G. GRCh37 (hg19) VCF-style: chr11-123516440-A-G.
Other names: c.74T>C, p.Val25Ala (NM_018400.4); short protein forms V25A.
Identifiers: ClinVar variation 2563487 (VCV002563487.2), dbSNP rs1955847112, ClinGen allele CA383073249.
Genomic context (GRCh38, chr11:123,645,732, plus strand): 5'-CAGCGCAGCTTCATGGGGTTGCCCTGCACGGCCTCCGTCTCCGAGGGCACTTCCACACAC[A>G]CAGGGAAGCAGACACTGACTGCAGAGAGGACAGATGGACAGGGAAGGAACAGCAGGTGGT-3'
Protein context (NP_001035241.1, residues 15-35): LIYWVSVCFP[Val25Ala]CVEVPSETEA